The following is an entry in ClinVar:

ClinVar aggregate classification (germline): Uncertain significance. Review status: criteria provided, multiple submitters, no conflicts (2 of 4 stars). 3 submissions from 3 submitters: Uncertain significance (3). Last evaluated 2025-08-05.

Conditions:
Inborn genetic diseases. Identifiers: MedGen C0950123, MeSH D030342.

Allele frequency attached by ClinVar (database versions not stated): gnomAD 0.00006 and 0.00009; TOPMed 0.00007; ExAC 0.00029; 1000 Genomes Project 30x 0.00031; 1000 Genomes Project 0.00040.
gnomAD v4.1: 142 of 1,598,972 alleles (0.0089%); highest among the groups gnomAD compares: South Asian, 0.088%; no homozygotes.

Submissions (3):

Ambry Genetics
Classification: Uncertain significance for Inborn genetic diseases. Last evaluated: 2025-08-05. Review status: criteria provided, single submitter. Criteria: Ambry Variant Classification Scheme 2023. Collection method: clinical testing. Allele origin: germline.

Labcorp Genetics (formerly Invitae), Labcorp
Classification: Uncertain significance. Last evaluated: 2022-08-30. Review status: criteria provided, single submitter. Criteria: Invitae Variant Classification Sherloc (09022015). Collection method: clinical testing. Allele origin: germline.
Comment: This sequence change replaces valine, which is neutral and non-polar, with isoleucine, which is neutral and non-polar, at codon 445 of the TSEN2 protein (p.Val445Ile). This variant is present in population databases (rs535642181, gnomAD 0.1%), and has an allele count higher than expected for a pathogenic variant. This variant has not been reported in the literature in individuals affected with TSEN2-related conditions. ClinVar contains an entry for this variant (Variation ID: 1216013). Algorithms developed to predict the effect of missense changes on protein structure and function (SIFT, PolyPhen-2, Align-GVGD) all suggest that this variant is likely to be disruptive. In summary, the available evidence is currently insufficient to determine the role of this variant in disease. Therefore, it has been classified as a Variant of Uncertain Significance.

GeneDx
Classification: Uncertain significance. Last evaluated: 2019-02-15. Review status: criteria provided, single submitter. Criteria: GeneDx Variant Classification Process June 2021. Collection method: clinical testing. Allele origin: germline. Affected: yes.
Comment: In silico analysis, which includes protein predictors and evolutionary conservation, supports that this variant does not alter protein structure/function; Has not been previously published as pathogenic or benign to our knowledge

NM_025265.4(TSEN2):c.1333G>A (p.Val445Ile)

Gene: TSEN2 (tRNA splicing endonuclease subunit 2; plus strand). Cytogenetic location: 3p25.2.
Variant type: single nucleotide variant.
Coding change: c.1333G>A on transcript NM_025265.4 (MANE Select); coding-DNA position 1333, G replaced by A.
Protein change: p.Val445Ile; replaces valine 445 with isoleucine.
Molecular consequence: missense variant. On other transcripts: non-coding transcript variant (1).
Genome position (GRCh38, 1-based): chr3:12,531,654, G>A. VCF-style: chr3-12531654-G-A. GRCh37 (hg19) VCF-style: chr3-12573153-G-A.
Other names: c.1333G>A, p.Val445Ile (NM_001145392.2, NM_001321277.2, NM_001321278.2); c.1255G>A, p.Val419Ile (NM_001145393.3, NM_001321279.2); c.1156G>A, p.Val386Ile (NM_001145394.2); short protein forms V386I, V419I, V445I.
Identifiers: ClinVar variation 1216013 (VCV001216013.9), dbSNP rs535642181, ClinGen allele CA2258824.
Genomic context (GRCh38, chr3:12,531,654, plus strand): 5'-AAACCCTCTACTATGACTGACAAGGAAATGGAGTCACCAGAATGTATGAAAAGGATTAAA[G>A]TTCAGGTGGGTAAACTCAGAGAAATTCATGTCATCCCAAAGATTCTGTGAATCATAGTGT-3'
Protein context (NP_079541.1, residues 435-455): ESPECMKRIK[Val445Ile]QEVILSRWVS